The following is an entry in ClinVar:

NM_001291303.3(FAT4):c.10628A>G (p.Gln3543Arg)

Gene: FAT4 (FAT atypical cadherin 4; plus strand). Cytogenetic location: 4q28.1.
Variant type: single nucleotide variant.
Coding change: c.10628A>G on transcript NM_001291303.3 (MANE Select); coding-DNA position 10628, A replaced by G.
Protein change: p.Gln3543Arg; replaces glutamine 3543 with arginine.
Molecular consequence: missense variant.
Genome position (GRCh38, 1-based): chr4:125,451,638, A>G. VCF-style: chr4-125451638-A-G. GRCh37 (hg19) VCF-style: chr4-126372793-A-G.
Other names: c.10628A>G, p.Gln3543Arg (NM_001291285.3, NM_001438396.1, NM_001438397.1); c.5399A>G, p.Gln1800Arg (NM_001437895.1); c.10622A>G, p.Gln3541Arg (NM_024582.6); short protein forms Q1800R, Q3541R, Q3543R.
Identifiers: ClinVar variation 4686508 (VCV004686508.1).

ClinVar aggregate classification (germline): Uncertain significance (1 of 4 stars; one submission).

gnomAD v4.1: 7 of 1,613,988 alleles (0.00043%); highest among the groups gnomAD compares: South Asian, 0.0011%; no homozygotes.

Submission:

GeneDx
Classification: Uncertain significance. Last evaluated: 2025-07-19. Review status: criteria provided, single submitter. Criteria: GeneDx Variant Classification Process June 2021. Collection method: clinical testing. Allele origin: germline. Affected: yes.
Comment: Not observed at significant frequency in large population cohorts (gnomAD); In silico analysis suggests that this missense variant does not alter protein structure/function; Has not been previously published as pathogenic or benign to our knowledge